The following is an entry in ClinVar:

ClinVar aggregate classification (germline): Uncertain significance (1 of 4 stars; one submission).

Conditions:
Myofibrillar myopathy 5. Also called: Filaminopathy (type); FILAMINOPATHY, AUTOSOMAL DOMINANT. Identifiers: Orphanet 171445, MedGen C1836050, MONDO:0012289, OMIM 609524.
Hypertrophic cardiomyopathy 26. Also called: Cardiomyopathy, familial hypertrophic, 26. Identifiers: Orphanet 75249, MedGen C4310749, MONDO:0014883, OMIM 617047.
Distal myopathy with posterior leg and anterior hand involvement. Also called: WILLIAMS DISTAL MYOPATHY. Identifiers: Orphanet 63273, MedGen C3279722, MONDO:0013550, OMIM 614065.

Submission:

Labcorp Genetics (formerly Invitae), Labcorp
Classification: Uncertain significance for Distal myopathy with posterior leg and anterior hand involvement; Myofibrillar myopathy 5; Hypertrophic cardiomyopathy 26. Last evaluated: 2022-06-28. Review status: criteria provided, single submitter. Criteria: Invitae Variant Classification Sherloc (09022015). Collection method: clinical testing. Allele origin: germline.
Comment: In summary, the available evidence is currently insufficient to determine the role of this variant in disease. Therefore, it has been classified as a Variant of Uncertain Significance. Variants that disrupt the consensus splice site are a relatively common cause of aberrant splicing (PMID: 17576681, 9536098). Algorithms developed to predict the effect of sequence changes on RNA splicing suggest that this variant may create or strengthen a splice site. This variant has not been reported in the literature in individuals affected with FLNC-related conditions. This variant is not present in population databases (gnomAD no frequency). This sequence change falls in intron 45 of the FLNC gene. It does not directly change the encoded amino acid sequence of the FLNC protein. It affects a nucleotide within the consensus splice site.

Literature cited by the submitters: PubMed 17576681; PubMed 9536098.

NM_001458.5(FLNC):c.7562-3C>G

Genes: FLNC (filamin C; plus strand), FLNC-AS1 (FLNC antisense RNA 1; minus strand). Cytogenetic location: 7q32.1.
Variant type: single nucleotide variant.
Coding change: c.7562-3C>G on transcript NM_001458.5 (MANE Select); 3 bases into the intron before coding-DNA position 7562, C replaced by G.
Molecular consequence: intron variant.
Genome position (GRCh38, 1-based): chr7:128,857,115, C>G. VCF-style: chr7-128857115-C-G. GRCh37 (hg19) VCF-style: chr7-128497169-C-G.
Other names: c.7463-3C>G (NM_001127487.2).
Identifiers: ClinVar variation 2011801 (VCV002011801.4), dbSNP rs1358745378, ClinGen allele CA2580076600.
Genomic context (GRCh38, chr7:128,857,115, plus strand): 5'-GGCCCAGTCCCTCTTGGGCCACAAGCCCTTCCTGCCCTCAGCCTTGCTACCTCTGGCCCC[C>G]AGGTGTGTCATCAGAGTTCATCGTGAACACCCTGAATGCCGGCTCGGGGGCCTTGTCTGT-3'